The following is an entry in ClinVar:

NM_015046.7(SETX):c.4753CCT[2] (p.Pro1587del)

Gene: SETX (senataxin; minus strand). Cytogenetic location: 9q34.13.
Variant type: Microsatellite.
Coding change: c.4753CCT[2] on transcript NM_015046.7 (MANE Select); two copies in a row of the 3-base unit CCT starting at c.4753; the reference has three copies in a row; one copy, 3 bases deleted; also written c.4759_4761del.
Protein change: p.Pro1587del; deletes proline 1587.
Molecular consequence: inframe deletion. On other transcripts: inframe indel (1).
Genome position (GRCh38, 1-based): chr9:132,326,837-132,326,839, AGG deleted on the plus strand (CCT on the coding strand, the reverse complement: SETX is on the minus strand); deleting any 3 consecutive bases within chr9:132,326,837-132,326,845 gives the same sequence; the position shown is the placement nearest the transcript's 3' end. VCF-style (leftmost placement, unchanged base first): chr9-132326836-CAGG-C. GRCh37 (hg19) VCF-style: chr9-135202223-CAGG-C.
Other names: c.4759_4761del (NM_015046.5); c.4753CCT[2], p.Pro1587del (NM_001351527.2, NM_001351528.2); c.4753_4755CCT[2], p.Pro1587del (NM_015046.5); short protein forms P1587del.
Identifiers: ClinVar variation 2924157 (VCV002924157.4), dbSNP rs1589735789, ClinGen allele CA918568249.
Genomic context (GRCh38, chr9:132,326,836, plus strand): 5'-CAATTCGTGAAGTACTCTTTGAGCTAAAAATCTTAGTGGTAGGTCTCAAAGGTTTAGATG[CAGG>C]AGGAGGCAAGCCAGGTTTACGAAATACATCTTCATCTGCTGCTTTCACTTCAGAGTGTTT-3'

ClinVar aggregate classification (germline): Uncertain significance. Review status: criteria provided, multiple submitters, no conflicts (2 of 4 stars). 2 submissions from 2 submitters: Uncertain significance (2). Last evaluated 2023-12-08.

Conditions:
Amyotrophic lateral sclerosis type 4 (ALS4). Also called: AMYOTROPHIC LATERAL SCLEROSIS 4, JUVENILE; NEURONOPATHY, DISTAL HEREDITARY MOTOR, WITH PYRAMIDAL FEATURES. Identifiers: Orphanet 357043, MedGen C1865409, MONDO:0011223, OMIM 602433.
Spinocerebellar ataxia, autosomal recessive, with axonal neuropathy 2 (SCAN2). Also called: ATAXIA-OCULOMOTOR APRAXIA 2; Ataxia with Oculomotor Apraxia Type 2; Ataxia-ocular apraxia-2; Ataxia with Oculomotor Apraxia. Identifiers: Orphanet 64753, MedGen C1853761, MONDO:0018996, OMIM 606002.

Submissions (2):

GeneDx
Classification: Uncertain significance. Last evaluated: 2023-12-08. Review status: criteria provided, single submitter. Criteria: GeneDx Variant Classification Process June 2021. Collection method: clinical testing. Allele origin: germline. Affected: yes.
Comment: Not observed at significant frequency in large population cohorts (gnomAD); In-frame deletion of 1 amino acids in a non-repeat region; In silico analysis supports that this variant does not alter protein structure/function; Has not been previously published as pathogenic or benign to our knowledge

Labcorp Genetics (formerly Invitae), Labcorp
Classification: Uncertain significance for Amyotrophic lateral sclerosis type 4; Spinocerebellar ataxia, autosomal recessive, with axonal neuropathy 2. Last evaluated: 2023-07-06. Review status: criteria provided, single submitter. Criteria: Invitae Variant Classification Sherloc (09022015). Collection method: clinical testing. Allele origin: germline.
Comment: In summary, the available evidence is currently insufficient to determine the role of this variant in disease. Therefore, it has been classified as a Variant of Uncertain Significance. Experimental studies and prediction algorithms are not available or were not evaluated, and the functional significance of this variant is currently unknown. This variant has not been reported in the literature in individuals affected with SETX-related conditions. This variant is not present in population databases (gnomAD no frequency). This variant, c.4759_4761del, results in the deletion of 1 amino acid(s) of the SETX protein (p.Pro1587del), but otherwise preserves the integrity of the reading frame.